The following is an entry in ClinVar:

NM_000255.4(MMUT):c.360dup (p.Lys121Ter)

Gene: MMUT (methylmalonyl-CoA mutase; minus strand). Cytogenetic location: 6p12.3.
Variant type: Duplication.
Coding change: c.360dup on transcript NM_000255.4 (MANE Select); coding-DNA position 360, one base duplicated (T; older notation c.360dupT).
Protein change: p.Lys121Ter; replaces lysine 121 with a stop codon.
Molecular consequence: nonsense.
Genome position (GRCh38, 1-based): chr6:49,459,107, A duplicated on the plus strand (T on the coding strand, the reverse complement: MMUT is on the minus strand). VCF-style (leftmost placement, unchanged base first): chr6-49459106-T-TA. GRCh37 (hg19) VCF-style: chr6-49426819-T-TA.
Other names: c.360dupT (NM_000255.3); short protein forms K121*.
Identifiers: ClinVar variation 557861 (VCV000557861.5), dbSNP rs1554160919, ClinGen allele CA658823265.
Genomic context (GRCh38, chr6:49,459,106, plus strand): 5'-TTATCATAAATATTATGTCTTACATTAAAATCTCACCCTTAATGTTGTCCTTATAGAACT[T>TA]ATTGCTTTCTTCCACAGTACTAAAACCAGCATACTGGCGGATGGTCCAGGGCCTAAAGGT-3'

ClinVar aggregate classification (germline): Pathogenic. Review status: criteria provided, multiple submitters, no conflicts (2 of 4 stars). 4 submissions from 4 submitters: Pathogenic (3). 1 of the submissions does not count toward it. Last evaluated 2026-02-19.

Conditions:
Methylmalonic aciduria due to methylmalonyl-CoA mutase deficiency (MAMM). Also called: Methylmalonic aciduria, mut type. Identifiers: Orphanet 27, MedGen C1855114, MONDO:0009612, OMIM 251000.
Methylmalonic aciduria due to complete methylmalonyl-CoA mutase deficiency.

Submissions (4):

Institute of Human Genetics, University of Leipzig Medical Center
Classification: Pathogenic for Methylmalonic aciduria due to methylmalonyl-CoA mutase deficiency. Last evaluated: 2026-02-19. Review status: criteria provided, single submitter. Criteria: ACMG Guidelines, 2015. Collection method: clinical testing. Allele origin: paternal. Inheritance: Autosomal recessive inheritance. Affected: yes.
Comment: Criteria applied: PVS1,PM3_STR,PM2,PP4; Identified as compund heterozygous with NM_000255.4:c.1843C>A

Natera, Inc.
Classification: Pathogenic for Methylmalonic aciduria due to complete methylmalonyl-CoA mutase deficiency. Last evaluated: 2025-06-02. Review status: criteria provided, single submitter. Criteria: Natera Variant Classification Schema (03/2026). Collection method: clinical testing. Allele origin: germline.
Comment: The c.360dupT variant in MMUT is a frameshift variant predicted to shift the reading frame and introduce a stop codon. This variant is expected to result in nonsense mediated decay, truncation, or a dysfunctional protein product. This variant is rare in the general population with a frequency below the threshold expected for the associated phenotype(s). This variant has been observed in one or more individuals affected with the associated recessive disease, as either homozygous or compound heterozygous with a second variant (PMID: 27167370, 31525265, 15643616). Given the available evidence, this variant is classified as Pathogenic.

Fulgent Genetics
Classification: Pathogenic for Methylmalonic aciduria due to methylmalonyl-CoA mutase deficiency. Last evaluated: 2021-12-18. Review status: criteria provided, single submitter. Criteria: ACMG Guidelines, 2015. Collection method: clinical testing. Allele origin: unknown.

Counsyl
Classification: Pathogenic for Methylmalonic aciduria due to methylmalonyl-CoA mutase deficiency. Last evaluated: 2018-04-13. Review status: no assertion criteria provided. Collection method: clinical testing. Allele origin: unknown. Not counted in ClinVar's aggregate classification.

Literature cited by the submitters: PubMed 27167370 (cited by Natera, Inc. and Counsyl); PubMed 31525265 (cited by Natera, Inc.); PubMed 15643616 (cited by Natera, Inc. and Counsyl).